The following is an entry in ClinVar:

NM_015466.4(PTPN23):c.392T>A (p.Met131Lys)

Gene: PTPN23 (protein tyrosine phosphatase non-receptor type 23; plus strand). Cytogenetic location: 3p21.31.
Variant type: single nucleotide variant.
Coding change: c.392T>A on transcript NM_015466.4 (MANE Select); coding-DNA position 392, T replaced by A.
Protein change: p.Met131Lys; replaces methionine 131 with lysine.
Molecular consequence: missense variant.
Genome position (GRCh38, 1-based): chr3:47,405,776, T>A. VCF-style: chr3-47405776-T-A. GRCh37 (hg19) VCF-style: chr3-47447266-T-A.
Other names: c.14T>A, p.Met5Lys (NM_001304482.2); short protein forms M131K, M5K.
Identifiers: ClinVar variation 2115996 (VCV002115996.4), dbSNP rs903044572, ClinGen allele CA352542692.

ClinVar aggregate classification (germline): Uncertain significance (1 of 4 stars; one submission).

Submission:

Labcorp Genetics (formerly Invitae), Labcorp
Classification: Uncertain significance. Last evaluated: 2022-08-16. Review status: criteria provided, single submitter. Criteria: Invitae Variant Classification Sherloc (09022015). Collection method: clinical testing. Allele origin: germline.
Comment: In summary, the available evidence is currently insufficient to determine the role of this variant in disease. Therefore, it has been classified as a Variant of Uncertain Significance. Algorithms developed to predict the effect of missense changes on protein structure and function are either unavailable or do not agree on the potential impact of this missense change (SIFT: "Tolerated"; PolyPhen-2: "Not Available"; Align-GVGD: "Class C0"). This variant has not been reported in the literature in individuals affected with PTPN23-related conditions. This variant is not present in population databases (gnomAD no frequency). This sequence change replaces methionine, which is neutral and non-polar, with lysine, which is basic and polar, at codon 131 of the PTPN23 protein (p.Met131Lys).